The following is an entry in ClinVar:

ClinVar aggregate classification (germline): Pathogenic (1 of 4 stars; one submission).

Conditions:
Familial cancer of breast. Also called: Hereditary breast cancer; BREAST CANCER, FAMILIAL; hereditary breast carcinoma. Identifiers: Orphanet 227535, MedGen C0346153, MONDO:0016419, OMIM 114480. Disease mechanism: loss of function.

Submission:

Myriad Genetics, Inc.
Classification: Pathogenic for Familial cancer of breast. Last evaluated: 2023-05-30. Review status: criteria provided, single submitter. Criteria: Myriad Autosomal Dominant, Autosomal Recessive and X-Linked Classification Criteria (2023). Collection method: clinical testing. Allele origin: unknown.
Comment: This variant is considered pathogenic. This variant creates a frameshift predicted to result in premature protein truncation.

NM_032043.3(BRIP1):c.227dup (p.Ser77fs)

Gene: BRIP1 (BRCA1 interacting DNA helicase 1; minus strand). Cytogenetic location: 17q23.2.
Variant type: Duplication.
Coding change: c.227dup on transcript NM_032043.3 (MANE Select); coding-DNA position 227, one base duplicated (T; older notation c.227dupT).
Protein change: p.Ser77fs; shifts the reading frame from serine 77.
Molecular consequence: frameshift variant.
Genome position (GRCh38, 1-based): chr17:61,857,210, A duplicated on the plus strand (T on the coding strand, the reverse complement: BRIP1 is on the minus strand). VCF-style (leftmost placement, unchanged base first): chr17-61857209-T-TA. GRCh37 (hg19) VCF-style: chr17-59934570-T-TA.
Other names: short protein forms S77fs.
Identifiers: ClinVar variation 2583368 (VCV002583368.2), dbSNP rs2509126902, ClinGen allele CA2582342255.